The following is an entry in ClinVar:

ClinVar aggregate classification (germline): Pathogenic/Likely pathogenic. Review status: criteria provided, multiple submitters, no conflicts (2 of 4 stars). 4 submissions from 4 submitters: Pathogenic (3); Likely pathogenic (1). Last evaluated 2024-01-22.

Conditions:
Familial cancer of breast. Also called: BREAST CANCER, FAMILIAL; hereditary breast carcinoma; Hereditary breast cancer. Identifiers: Orphanet 227535, MedGen C0346153, MONDO:0016419, OMIM 114480. Disease mechanism: loss of function.
Fanconi anemia complementation group J. Also called: BRIP1-Related Fanconi Anemia. Identifiers: Orphanet 84, MedGen C1836860, MONDO:0012187, OMIM 609054.
Hereditary cancer-predisposing syndrome. Also called: Neoplastic Syndromes, Hereditary; Hereditary neoplastic syndrome; Tumor predisposition; Hereditary Cancer Syndrome. Identifiers: Orphanet 140162, MedGen C0027672, MeSH D009386, MONDO:0015356.

Submissions (4):

Baylor Genetics
Classification: Likely pathogenic for Familial cancer of breast. Last evaluated: 2024-01-22. Review status: criteria provided, single submitter. Criteria: ACMG Guidelines, 2015. Collection method: clinical testing. Allele origin: unknown.

Myriad Genetics, Inc.
Classification: Pathogenic for Familial cancer of breast. Last evaluated: 2023-06-06. Review status: criteria provided, single submitter. Criteria: Myriad Autosomal Dominant, Autosomal Recessive and X-Linked Classification Criteria (2023). Collection method: clinical testing. Allele origin: unknown.
Comment: This variant is considered pathogenic. This variant creates a termination codon and is predicted to result in premature protein truncation.

Ambry Genetics
Classification: Pathogenic for Hereditary cancer-predisposing syndrome. Last evaluated: 2022-09-26. Review status: criteria provided, single submitter. Criteria: Ambry Variant Classification Scheme 2023. Collection method: clinical testing. Allele origin: germline.
Comment: The p.S805* pathogenic mutation (also known as c.2414C>A), located in coding exon 16 of the BRIP1 gene, results from a C to A substitution at nucleotide position 2414. This changes the amino acid from a serine to a stop codon within coding exon 16. This variant is considered to be rare based on population cohorts in the Genome Aggregation Database (gnomAD). This alteration is expected to result in loss of function by premature protein truncation or nonsense-mediated mRNA decay. As such, this alteration is interpreted as a disease-causing mutation.

Labcorp Genetics (formerly Invitae), Labcorp
Classification: Pathogenic for Familial cancer of breast; Fanconi anemia complementation group J. Last evaluated: 2019-12-27. Review status: criteria provided, single submitter. Criteria: Invitae Variant Classification Sherloc (09022015). Collection method: clinical testing. Allele origin: germline.
Comment: This sequence change creates a premature translational stop signal (p.Ser805*) in the BRIP1 gene. It is expected to result in an absent or disrupted protein product. This variant is not present in population databases (ExAC no frequency). For these reasons, this variant has been classified as Pathogenic. Loss-of-function variants in BRIP1 are known to be pathogenic (PMID: 16116423, 17033622, 21964575). This variant has not been reported in the literature in individuals with BRIP1-related conditions.

Literature cited by the submitters: PubMed 16116423 (cited by Labcorp Genetics (formerly Invitae), Labcorp); PubMed 17033622 (cited by Labcorp Genetics (formerly Invitae), Labcorp); PubMed 21964575 (cited by Labcorp Genetics (formerly Invitae), Labcorp).

NM_032043.3(BRIP1):c.2414C>A (p.Ser805Ter)

Gene: BRIP1 (BRCA1 interacting DNA helicase 1; minus strand). Cytogenetic location: 17q23.2.
Variant type: single nucleotide variant.
Coding change: c.2414C>A on transcript NM_032043.3 (MANE Select); coding-DNA position 2414, C replaced by A.
Protein change: p.Ser805Ter; replaces serine 805 with a stop codon.
Molecular consequence: nonsense.
Genome position (GRCh38, 1-based): chr17:61,716,029, G>T on the plus strand (C>A on the coding strand, the complement: BRIP1 is on the minus strand). VCF-style: chr17-61716029-G-T. GRCh37 (hg19) VCF-style: chr17-59793390-G-T.
Other names: short protein forms S805*.
Identifiers: ClinVar variation 838566 (VCV000838566.13), dbSNP rs2061855838, ClinGen allele CA400479714.